The following is an entry in ClinVar:

NM_001190274.2(FBXO11):c.247G>C (p.Ala83Pro)

Gene: FBXO11 (F-box protein 11; minus strand). Cytogenetic location: 2p16.3.
Variant type: single nucleotide variant.
Coding change: c.247G>C on transcript NM_001190274.2 (MANE Select); coding-DNA position 247, G replaced by C.
Protein change: p.Ala83Pro; replaces alanine 83 with proline.
Molecular consequence: missense variant. On other transcripts: 5 prime UTR variant (2).
Genome position (GRCh38, 1-based): chr2:47,839,755, C>G on the plus strand (G>C on the coding strand, the complement: FBXO11 is on the minus strand). VCF-style: chr2-47839755-C-G. GRCh37 (hg19) VCF-style: chr2-48066894-C-G.
Other names: c.-6G>C (NM_001374325.1, NM_025133.4); short protein forms A83P.
Identifiers: ClinVar variation 4765376 (VCV004765376.1).

ClinVar aggregate classification (germline): Uncertain significance (1 of 4 stars; one submission).

gnomAD v4.1: 1 of 1,613,092 alleles (0.000062%); highest among the groups gnomAD compares: Non-Finnish European, 0.000085%; no homozygotes.

Submission:

Labcorp Genetics (formerly Invitae), Labcorp
Classification: Uncertain significance. Last evaluated: 2026-01-07. Review status: criteria provided, single submitter. Criteria: Invitae Variant Classification Sherloc (09022015). Collection method: clinical testing. Allele origin: germline.
Comment: This sequence change replaces alanine, which is neutral and non-polar, with proline, which is neutral and non-polar, at codon 83 of the FBXO11 protein (p.Ala83Pro). This variant is not present in population databases (gnomAD no frequency). This variant has not been reported in the literature in individuals affected with FBXO11-related conditions. An algorithm developed to predict the effect of missense changes on protein structure and function (PolyPhen-2) suggests that this variant is likely to be tolerated. In summary, the available evidence is currently insufficient to determine the role of this variant in disease. Therefore, it has been classified as a Variant of Uncertain Significance.